The following is an entry in ClinVar:

NM_014991.6(WDFY3):c.1201_1205delinsATTTC (p.Gln401_Ile402delinsIleSer)

Gene: WDFY3 (WD repeat and FYVE domain containing 3; minus strand). Cytogenetic location: 4q21.23.
Variant type: Indel.
Coding change: c.1201_1205delinsATTTC on transcript NM_014991.6 (MANE Select); coding-DNA positions 1201 to 1205, CAAAT replaced by ATTTC.
Protein change: p.Gln401_Ile402delinsIleSer.
Molecular consequence: missense variant.
Genome position (GRCh38, 1-based): chr4:84,821,470-84,821,474, ATTTG replaced by GAAAT on the plus strand (CAAAT replaced by ATTTC on the coding strand, the reverse complement: WDFY3 is on the minus strand). VCF-style: chr4-84821470-ATTTG-GAAAT. GRCh37 (hg19) VCF-style: chr4-85742623-ATTTG-GAAAT.
Identifiers: ClinVar variation 2413060 (VCV002413060.2), dbSNP rs2534659045, ClinGen allele CA2580071852.

ClinVar aggregate classification (germline): Uncertain significance (1 of 4 stars; one submission).

Submission:

GeneDx
Classification: Uncertain significance. Last evaluated: 2022-07-25. Review status: criteria provided, single submitter. Criteria: GeneDx Variant Classification Process June 2021. Collection method: clinical testing. Allele origin: germline. Affected: yes.
Comment: Not observed at significant frequency in large population cohorts (gnomAD); In silico analysis supports a deleterious effect on protein structure/function; Has not been previously published as pathogenic or benign to our knowledge